The following is an entry in ClinVar:

NM_005144.5(HR):c.*894G>A

Gene: HR (HR lysine demethylase and nuclear receptor corepressor; minus strand). Cytogenetic location: 8p21.3.
Variant type: single nucleotide variant.
Coding change: c.*894G>A on transcript NM_005144.5 (MANE Select); 894 bases downstream of the stop codon, G replaced by A.
Molecular consequence: 3 prime UTR variant.
Genome position (GRCh38, 1-based): chr8:22,114,806, C>T on the plus strand (G>A on the coding strand, the complement: HR is on the minus strand). VCF-style: chr8-22114806-C-T. GRCh37 (hg19) VCF-style: chr8-21972319-C-T.
Other names: c.*894G>A (NM_018411.4).
Identifiers: ClinVar variation 362458 (VCV000362458.5), dbSNP rs564636595, ClinGen allele CA10627443.

ClinVar aggregate classification (germline): Likely benign. Review status: criteria provided, single submitter (1 of 4 stars). 2 submissions from 1 submitter: Likely benign (2). Last evaluated 2018-01-12.

Conditions:
Atrichia with papular lesions (APL). Also called: PAPULAR ATRICHIA. Identifiers: Orphanet 86819, MedGen C1859592, MONDO:0008847, OMIM 209500.
Alopecia universalis congenita (ALUNC). Also called: ATRICHIA, GENERALIZED. Identifiers: Orphanet 701, MedGen C1859877, MONDO:0008757, OMIM 203655.

Allele frequency attached by ClinVar (database versions not stated): TOPMed 0.00008; gnomAD 0.00009 and 0.00036; 1000 Genomes Project 30x 0.00047; 1000 Genomes Project 0.00060.

Submissions (2):

Illumina Laboratory Services, Illumina
Classification: Likely benign for Atrichia with papular lesions. Last evaluated: 2018-01-12. Review status: criteria provided, single submitter. Criteria: ICSL Variant Classification Criteria 13 December 2019. Collection method: clinical testing. Allele origin: germline.
Comment: This variant was observed in the ICSL laboratory as part of a predisposition screen in an ostensibly healthy population. It had not been previously curated by ICSL or reported in the Human Gene Mutation Database (HGMD: prior to June 1st, 2018), and was therefore a candidate for classification through an automated scoring system. Utilizing variant allele frequency, disease prevalence and penetrance estimates, and inheritance mode, an automated score was calculated to assess if this variant is too frequent to cause the disease. Based on the score and internal cut-off values, a variant classified as likely benign is not then subjected to further curation. The score for this variant resulted in a classification of likely benign for this disease.

Illumina Laboratory Services, Illumina
Classification: Likely benign for Alopecia universalis congenita. Last evaluated: 2018-01-12. Review status: criteria provided, single submitter. Criteria: ICSL Variant Classification Criteria 13 December 2019. Collection method: clinical testing. Allele origin: germline.
Comment: the same text as in the submission from Illumina Laboratory Services, Illumina above.